The following is an entry in ClinVar:

ClinVar aggregate classification (germline): Conflicting classifications of pathogenicity. Review status: criteria provided, conflicting classifications (1 of 4 stars). 3 submissions from 3 submitters: Pathogenic (1); Likely pathogenic (1); Uncertain significance (1). Last evaluated 2025-12-15.

Conditions:
Autosomal dominant nonsyndromic hearing loss 20. Identifiers: Orphanet 90635, MedGen C1858172, MONDO:0011480, OMIM 604717.
Baraitser-winter syndrome 2. Identifiers: Orphanet 2995, MedGen C3281235, MONDO:0013812, OMIM 614583.

Submissions (3):

Labcorp Genetics (formerly Invitae), Labcorp
Classification: Uncertain significance for Baraitser-winter syndrome 2; Autosomal dominant nonsyndromic hearing loss 20. Last evaluated: 2025-12-15. Review status: criteria provided, single submitter. Criteria: Invitae Variant Classification Sherloc (09022015). Collection method: clinical testing. Allele origin: germline.
Comment: This sequence change replaces threonine, which is neutral and polar, with isoleucine, which is neutral and non-polar, at codon 277 of the ACTG1 protein (p.Thr277Ile). This variant is not present in population databases (gnomAD no frequency). This missense change has been observed in individual(s) with deafness (PMID: 34440452). In at least one individual the variant was observed to be de novo. ClinVar contains an entry for this variant (Variation ID: 1175712). Invitae Evidence Modeling of protein sequence and biophysical properties (such as structural, functional, and spatial information, amino acid conservation, physicochemical variation, residue mobility, and thermodynamic stability) indicates that this missense variant is not expected to disrupt ACTG1 protein function with a negative predictive value of 80%. In summary, the available evidence is currently insufficient to determine the role of this variant in disease. Therefore, it has been classified as a Variant of Uncertain Significance.

Dasa
Classification: Likely pathogenic. Last evaluated: 2024-11-05. Review status: criteria provided, single submitter. Criteria: DASA Assertion Criteria. Collection method: clinical testing. Allele origin: germline.
Comment: NM_001614.5(ACTG1):c.830C>T (p.Thr277Ile) is a missense variant that results in the substitution of threonine with isoleucine. Segregation data support an association with disease in the reported family/families (PMID: 30682115). This variant has been recurrently observed in individuals with ACTG1-related disorders (PMID: 30682115; PMID: 29493581). Also, this variant is absent from population databases. Computational evidence supports a deleterious effect. Based on the currently available evidence, this variant is classified as likely pathogenic.

Center of Genomic medicine, Geneva, University Hospital of Geneva
Classification: Pathogenic for Autosomal dominant nonsyndromic hearing loss 20. Last evaluated: 2021-02-24. Review status: criteria provided, single submitter. Criteria: ACMG Guidelines, 2015. Collection method: clinical testing. Allele origin: de novo. Affected: yes. Observed: 1 variant allele.

Literature cited by the submitters: PubMed 34440452 (cited by Labcorp Genetics (formerly Invitae), Labcorp); PubMed 30682115 (cited by Dasa); PubMed 29493581 (cited by Dasa).

NM_001614.5(ACTG1):c.830C>T (p.Thr277Ile)

Gene: ACTG1 (actin gamma 1; minus strand). Cytogenetic location: 17q25.3.
Variant type: single nucleotide variant.
Coding change: c.830C>T on transcript NM_001614.5 (MANE Select); coding-DNA position 830, C replaced by T.
Protein change: p.Thr277Ile; replaces threonine 277 with isoleucine.
Molecular consequence: missense variant. On other transcripts: non-coding transcript variant (1).
Genome position (GRCh38, 1-based): chr17:81,511,081, G>A on the plus strand (C>T on the coding strand, the complement: ACTG1 is on the minus strand). VCF-style: chr17-81511081-G-A. GRCh37 (hg19) VCF-style: chr17-79478107-G-A.
Other names: c.830C>T, p.Thr277Ile (NM_001199954.3); short protein forms T277I.
Identifiers: ClinVar variation 1175712 (VCV001175712.6), dbSNP rs2143775764, ClinGen allele CA401459411.